The following is an entry in ClinVar:

ClinVar aggregate classification (germline): Uncertain significance (1 of 4 stars; one submission).

Submission:

GeneDx
Classification: Uncertain significance. Last evaluated: 2025-06-26. Review status: criteria provided, single submitter. Criteria: GeneDx Variant Classification Process June 2021. Collection method: clinical testing. Allele origin: germline. Affected: yes.
Comment: Not observed at significant frequency in large population cohorts (gnomAD); In silico analysis supports that this missense variant has a deleterious effect on protein structure/function; In silico analysis supports a deleterious effect on splicing; Has not been previously published as pathogenic or benign to our knowledge

NM_001297595.2(SIN3B):c.3128T>G (p.Met1043Arg)

Gene: SIN3B (SIN3 transcription regulator family member B; plus strand). Cytogenetic location: 19p13.11.
Variant type: single nucleotide variant.
Coding change: c.3128T>G on transcript NM_001297595.2 (MANE Select); coding-DNA position 3128, T replaced by G.
Protein change: p.Met1043Arg; replaces methionine 1043 with arginine.
Molecular consequence: missense variant.
Genome position (GRCh38, 1-based): chr19:16,878,356, T>G. VCF-style: chr19-16878356-T-G. GRCh37 (hg19) VCF-style: chr19-16989167-T-G.
Other names: c.1898T>G, p.Met633Arg (NM_001297597.2); c.3224T>G, p.Met1075Arg (NM_015260.4); short protein forms M1043R, M1075R, M633R.
Identifiers: ClinVar variation 4540386 (VCV004540386.1).